The following is an entry in ClinVar:

ClinVar aggregate classification (germline): Conflicting classifications of pathogenicity. Review status: criteria provided, conflicting classifications (1 of 4 stars). 2 submissions from 2 submitters: Uncertain significance (1); Likely benign (1). Last evaluated 2025-12-29.

Conditions:
Neuroblastoma, susceptibility to, 3. Also called: ALK-Related Neuroblastic Tumor Susceptibility. Identifiers: Orphanet 635, MedGen C2751681, MONDO:0013083, OMIM 613014.
Hereditary cancer-predisposing syndrome. Also called: Hereditary Cancer Syndrome; Neoplastic Syndromes, Hereditary; Tumor predisposition; Hereditary neoplastic syndrome. Identifiers: Orphanet 140162, MedGen C0027672, MeSH D009386, MONDO:0015356.

gnomAD v4.1: 13 of 1,614,048 alleles (0.00081%); highest among the groups gnomAD compares: Non-Finnish European, 0.0011%; no homozygotes.

Submissions (2):

Ambry Genetics
Classification: Likely benign for Hereditary cancer-predisposing syndrome. Last evaluated: 2025-12-29. Review status: criteria provided, single submitter. Criteria: Ambry Variant Classification Scheme 2023. Collection method: clinical testing. Allele origin: germline.

Labcorp Genetics (formerly Invitae), Labcorp
Classification: Uncertain significance for Neuroblastoma, susceptibility to, 3. Last evaluated: 2024-07-23. Review status: criteria provided, single submitter. Criteria: Invitae Variant Classification Sherloc (09022015). Collection method: clinical testing. Allele origin: germline.
Comment: This sequence change replaces threonine, which is neutral and polar, with asparagine, which is neutral and polar, at codon 535 of the ALK protein (p.Thr535Asn). This variant is not present in population databases (gnomAD no frequency). This variant has not been reported in the literature in individuals affected with ALK-related conditions. An algorithm developed to predict the effect of missense changes on protein structure and function (PolyPhen-2) suggests that this variant is likely to be disruptive. In summary, the available evidence is currently insufficient to determine the role of this variant in disease. Therefore, it has been classified as a Variant of Uncertain Significance.

NM_004304.5(ALK):c.1604C>A (p.Thr535Asn)

Gene: ALK (ALK receptor tyrosine kinase; minus strand). Cytogenetic location: 2p23.2.
Variant type: single nucleotide variant.
Coding change: c.1604C>A on transcript NM_004304.5 (MANE Select); coding-DNA position 1604, C replaced by A.
Protein change: p.Thr535Asn; replaces threonine 535 with asparagine.
Molecular consequence: missense variant.
Genome position (GRCh38, 1-based): chr2:29,318,347, G>T on the plus strand (C>A on the coding strand, the complement: ALK is on the minus strand). VCF-style: chr2-29318347-G-T. GRCh37 (hg19) VCF-style: chr2-29541213-G-T.
Other names: c.1604C>A (NM_004304.4); short protein forms T535N.
Identifiers: ClinVar variation 3671665 (VCV003671665.3).